The following is an entry in ClinVar:

ClinVar aggregate classification (germline): Uncertain significance. Review status: criteria provided, multiple submitters, no conflicts (2 of 4 stars). 4 submissions from 4 submitters: Uncertain significance (4). Last evaluated 2025-12-09.

Conditions:
Peroxisome biogenesis disorder 11A (Zellweger). Also called: Peroxisome biogenesis disorder 11A. Identifiers: Orphanet 912, MedGen C3554000, MONDO:0013949, OMIM 614883.
Inborn genetic diseases. Identifiers: MedGen C0950123, MeSH D030342.

Allele frequency attached by ClinVar (database versions not stated): ExAC 0.00004; gnomAD 0.00002; TOPMed 0.00002; gnomAD exomes 0.00005.

Submissions (4):

Ambry Genetics
Classification: Uncertain significance for Inborn genetic diseases. Last evaluated: 2025-12-09. Review status: criteria provided, single submitter. Criteria: Ambry Variant Classification Scheme 2023. Collection method: clinical testing. Allele origin: germline.

Labcorp Genetics (formerly Invitae), Labcorp
Classification: Uncertain significance for Peroxisome biogenesis disorder 11A (Zellweger). Last evaluated: 2022-09-27. Review status: criteria provided, single submitter. Criteria: Invitae Variant Classification Sherloc (09022015). Collection method: clinical testing. Allele origin: germline.
Comment: This sequence change replaces serine, which is neutral and polar, with phenylalanine, which is neutral and non-polar, at codon 379 of the PEX13 protein (p.Ser379Phe). This variant is present in population databases (rs758388660, gnomAD 0.009%), including at least one homozygous and/or hemizygous individual. This variant has not been reported in the literature in individuals affected with PEX13-related conditions. ClinVar contains an entry for this variant (Variation ID: 593272). Algorithms developed to predict the effect of missense changes on protein structure and function are either unavailable or do not agree on the potential impact of this missense change (SIFT: "Tolerated"; PolyPhen-2: "Possibly Damaging"; Align-GVGD: "Class C0"). In summary, the available evidence is currently insufficient to determine the role of this variant in disease. Therefore, it has been classified as a Variant of Uncertain Significance.

Illumina Laboratory Services, Illumina
Classification: Uncertain significance for Peroxisome biogenesis disorder 11A (Zellweger). Last evaluated: 2018-01-12. Review status: criteria provided, single submitter. Criteria: ICSL Variant Classification Criteria 13 December 2019. Collection method: clinical testing. Allele origin: germline.

Eurofins Ntd Llc (ga)
Classification: Uncertain significance. Last evaluated: 2017-07-17. Review status: criteria provided, single submitter. Criteria: EGL Classification Definitions 2015. Collection method: clinical testing. Allele origin: germline. Observed: 1 variant allele, 1 heterozygote.

NM_002618.4(PEX13):c.1136C>T (p.Ser379Phe)

Gene: PEX13 (peroxisomal biogenesis factor 13; plus strand). Cytogenetic location: 2p15.
Variant type: single nucleotide variant.
Coding change: c.1136C>T on transcript NM_002618.4 (MANE Select); coding-DNA position 1136, C replaced by T.
Protein change: p.Ser379Phe; replaces serine 379 with phenylalanine.
Molecular consequence: missense variant.
Genome position (GRCh38, 1-based): chr2:61,048,694, C>T. VCF-style: chr2-61048694-C-T. GRCh37 (hg19) VCF-style: chr2-61275829-C-T.
Other names: short protein forms S379F.
Identifiers: ClinVar variation 593272 (VCV000593272.12), dbSNP rs758388660, ClinGen allele CA1673436.
Genomic context (GRCh38, chr2:61,048,694, plus strand): 5'-CACTAACTAAAGGAGCCACGGTTGCTGATTCTTTGGATGAACAGGAAGCTGCCTTTGAAT[C>T]TGTTTTTGTTGAAACTAATAAGGTTCCAGTTGCACCTGATTCCATTGGGAAAGATGGAGA-3'
Protein context (NP_002609.1, residues 369-389): SLDEQEAAFE[Ser379Phe]VFVETNKVPV